The following is an entry in ClinVar:

ClinVar aggregate classification (germline): Benign/Likely benign. Review status: criteria provided, multiple submitters, no conflicts (2 of 4 stars). 3 submissions from 3 submitters: Benign (1); Likely benign (2). Last evaluated 2026-01-10.

Conditions:
Familial cancer of breast. Also called: BREAST CANCER, FAMILIAL; Hereditary breast cancer; hereditary breast carcinoma. Identifiers: Orphanet 227535, MedGen C0346153, MONDO:0016419, OMIM 114480. Disease mechanism: loss of function.
Ataxia-telangiectasia syndrome (AT). Also called: Ataxia-telangiectasia, complementation group D; Ataxia-telangiectasia, complementation group E; Cerebello-oculocutaneous telangiectasia; Immunodeficiency with ataxia telangiectasia; Ataxia telangiectasia (A-T); Ataxia-telangiectasia. Identifiers: Orphanet 100, MedGen C0004135, MONDO:0008840, OMIM 208900.
Hereditary cancer-predisposing syndrome. Also called: Neoplastic Syndromes, Hereditary; Hereditary neoplastic syndrome; Hereditary Cancer Syndrome; Tumor predisposition. Identifiers: Orphanet 140162, MedGen C0027672, MeSH D009386, MONDO:0015356.

Allele frequency attached by ClinVar (database versions not stated): ExAC 0.00002; gnomAD exomes 0.00003.
gnomAD v4.1: 19 of 1,613,004 alleles (0.0012%); highest among the groups gnomAD compares: South Asian, 0.02%; no homozygotes.

Submissions (3):

Labcorp Genetics (formerly Invitae), Labcorp
Classification: Likely benign for Ataxia-telangiectasia syndrome. Last evaluated: 2026-01-10. Review status: criteria provided, single submitter. Criteria: Invitae Variant Classification Sherloc (09022015). Collection method: clinical testing. Allele origin: germline.

Myriad Genetics, Inc.
Classification: Benign for Familial cancer of breast. Last evaluated: 2024-05-14. Review status: criteria provided, single submitter. Criteria: Myriad Autosomal Dominant, Autosomal Recessive and X-Linked Classification Criteria (2023). Collection method: clinical testing. Allele origin: unknown.
Comment: This variant is considered benign. This variant is a silent/synonymous amino acid change and it is not expected to impact splicing.

Color Diagnostics, LLC DBA Color Health
Classification: Likely benign for Hereditary cancer-predisposing syndrome. Last evaluated: 2024-01-28. Review status: criteria provided, single submitter. Criteria: ACMG Guidelines, 2015. Collection method: clinical testing. Allele origin: germline.

NM_000051.4(ATM):c.3373T>C (p.Leu1125=)

Gene: ATM (ATM serine/threonine kinase; plus strand). Cytogenetic location: 11q22.3.
Variant type: single nucleotide variant.
Coding change: c.3373T>C on transcript NM_000051.4 (MANE Select); coding-DNA position 3373, T replaced by C.
Protein change: p.Leu1125=; no amino-acid change (leucine 1125 retained).
Molecular consequence: synonymous variant.
Genome position (GRCh38, 1-based): chr11:108,279,579, T>C. VCF-style: chr11-108279579-T-C. GRCh37 (hg19) VCF-style: chr11-108150306-T-C.
Other names: c.3373T>C, p.Leu1125= (NM_001351834.2).
Identifiers: ClinVar variation 1086310 (VCV001086310.11), dbSNP rs775277598, ClinGen allele CA6265270.